The following is an entry in ClinVar:

ClinVar aggregate classification (germline): Likely pathogenic. Review status: criteria provided, multiple submitters, no conflicts (2 of 4 stars). 4 submissions from 4 submitters: Likely pathogenic (4). Last evaluated 2025-05-14.

Conditions:
Acute infantile liver failure due to synthesis defect of mtDNA-encoded proteins. Also called: LIVER FAILURE, INFANTILE, TRANSIENT; Liver failure acute infantile; TRMU Deficiency. Identifiers: Orphanet 217371, MedGen C3278664, MONDO:0013111, OMIM 613070.
NBAS-related disorder. Also called: NBAS-related condition.

Allele frequency attached by ClinVar (database versions not stated): gnomAD 0.00001; gnomAD exomes 0.00001; TOPMed 0.00002.
gnomAD v4.1: 12 of 1,611,486 alleles (0.00074%); highest among the groups gnomAD compares: Non-Finnish European, 0.001%; no homozygotes.

Submissions (4):

Labcorp Genetics (formerly Invitae), Labcorp
Classification: Likely pathogenic. Last evaluated: 2025-05-14. Review status: criteria provided, single submitter. Criteria: Invitae Variant Classification Sherloc (09022015). Collection method: clinical testing. Allele origin: germline.
Comment: This sequence change affects a donor splice site in intron 37 of the NBAS gene. It is expected to disrupt RNA splicing. Variants that disrupt the donor or acceptor splice site typically lead to a loss of protein function (PMID: 16199547), and loss-of-function variants in NBAS are known to be pathogenic (PMID: 26073778, 26541327, 27789416, 28031453). This variant is present in population databases (rs199627281, gnomAD 0.002%). This variant has not been reported in the literature in individuals affected with NBAS-related conditions. ClinVar contains an entry for this variant (Variation ID: 2139029). Algorithms developed to predict the effect of sequence changes on RNA splicing suggest that this variant may disrupt the consensus splice site. In summary, the currently available evidence indicates that the variant is pathogenic, but additional data are needed to prove that conclusively. Therefore, this variant has been classified as Likely Pathogenic.

GeneDx
Classification: Likely pathogenic. Last evaluated: 2025-04-13. Review status: criteria provided, single submitter. Criteria: GeneDx Variant Classification Process June 2021. Collection method: clinical testing. Allele origin: germline. Affected: yes.
Comment: Has not been previously published as pathogenic or benign in association with an NBAS-related disorder to our knowledge; Canonical splice site variant predicted to result in an in-frame loss of the adjacent exon in a gene for which loss of function is a known mechanism of disease; Not observed at significant frequency in large population cohorts (gnomAD); This variant is associated with the following publications: (PMID: 28031453, 27789416, 26541327, 26073778, 31964843)

Women's Health and Genetics/Laboratory Corporation of America, LabCorp
Classification: Likely pathogenic for Acute infantile liver failure due to synthesis defect of mtDNA-encoded proteins. Last evaluated: 2023-10-17. Review status: criteria provided, single submitter. Criteria: LabCorp Variant Classification Summary - May 2015. Collection method: clinical testing. Allele origin: germline.
Comment: Variant summary: NBAS c.4461+2T>C is located in a canonical splice-site and is predicted to affect mRNA splicing resulting in a significantly altered protein due to either exon skipping, shortening, or inclusion of intronic material. Several computational tools predict a significant impact on normal splicing: two predict the variant abolishes a 5' splicing donor site, while one predicts the variant with no significant impact on splicing. However, these predictions have yet to be confirmed by functional studies. The variant allele was found at a frequency of 4e-06 in 251168 control chromosomes (gnomAD). To our knowledge, no occurrence of c.4461+2T>C in individuals affected with Liver Failure Acute Infantile, Type 2 and no experimental evidence demonstrating its impact on protein function have been reported. One submitter has cited clinical-significance assessments for this variant to ClinVar after 2014 and has classified the variant as likely pathogenic. Based on the evidence outlined above, the variant was classified as likely pathogenic.

Blueprint Genetics
Classification: Likely pathogenic for NBAS-related disorders. Last evaluated: 2022-01-05. Review status: criteria provided, single submitter. Criteria: ACMG Guidelines, 2015. Collection method: clinical testing. Allele origin: germline. Affected: yes. Observed: 1 variant allele.

Literature cited by the submitters: PubMed 16199547 (cited by Labcorp Genetics (formerly Invitae), Labcorp); PubMed 26073778 (cited by Labcorp Genetics (formerly Invitae), Labcorp); PubMed 26541327 (cited by Labcorp Genetics (formerly Invitae), Labcorp); PubMed 27789416 (cited by Labcorp Genetics (formerly Invitae), Labcorp); PubMed 28031453 (cited by Labcorp Genetics (formerly Invitae), Labcorp).

NM_015909.4(NBAS):c.4461+2T>C

Gene: NBAS (NBAS subunit of NRZ tethering complex; minus strand). Cytogenetic location: 2p24.3.
Variant type: single nucleotide variant.
Coding change: c.4461+2T>C on transcript NM_015909.4 (MANE Select); the canonical splice donor site of the intron after coding-DNA position 4461, T replaced by C.
Molecular consequence: splice donor variant.
Genome position (GRCh38, 1-based): chr2:15,328,197, A>G on the plus strand (T>C on the coding strand, the complement: NBAS is on the minus strand). VCF-style: chr2-15328197-A-G. GRCh37 (hg19) VCF-style: chr2-15468321-A-G.
Identifiers: ClinVar variation 2139029 (VCV002139029.7), dbSNP rs199627281, ClinGen allele CA42637252.
Genomic context (GRCh38, chr2:15,328,197, plus strand): 5'-TGTTTCTACTGTCTACAACAGCATGACAGTTAAATCTATCTTCCTAGACACGCTGTCCTT[A>G]CCTCAGCGACAAAAGGATTTGAGATGACAGATTCATAAAAAGGATGACACCCTTGTTTCT-3'